The following is an entry in ClinVar:

NM_006063.3(KLHL41):c.613C>T (p.Arg205Ter)

Gene: KLHL41 (kelch like family member 41; plus strand). Cytogenetic location: 2q31.1.
Variant type: single nucleotide variant.
Coding change: c.613C>T on transcript NM_006063.3 (MANE Select); coding-DNA position 613, C replaced by T.
Protein change: p.Arg205Ter; replaces arginine 205 with a stop codon.
Molecular consequence: nonsense.
Genome position (GRCh38, 1-based): chr2:169,510,391, C>T. VCF-style: chr2-169510391-C-T. GRCh37 (hg19) VCF-style: chr2-170366901-C-T.
Other names: short protein forms R205*.
Identifiers: ClinVar variation 3624557 (VCV003624557.2).

ClinVar aggregate classification (germline): Pathogenic (1 of 4 stars; one submission).

Conditions:
Nemaline myopathy 9 (NEM9). Identifiers: MedGen C3810384, MONDO:0014326, OMIM 615731.

gnomAD v4.1: 15 of 1,613,858 alleles (0.00093%); highest among the groups gnomAD compares: Admixed American, 0.0017%; no homozygotes.

Submission:

Labcorp Genetics (formerly Invitae), Labcorp
Classification: Pathogenic for Nemaline myopathy 9. Last evaluated: 2024-10-18. Review status: criteria provided, single submitter. Criteria: Invitae Variant Classification Sherloc (09022015). Collection method: clinical testing. Allele origin: germline.
Comment: This sequence change creates a premature translational stop signal (p.Arg205*) in the KLHL41 gene. It is expected to result in an absent or disrupted protein product. Loss-of-function variants in KLHL41 are known to be pathogenic (PMID: 24268659). This variant is present in population databases (rs768277184, gnomAD 0.0009%). This variant has not been reported in the literature in individuals affected with KLHL41-related conditions. For these reasons, this variant has been classified as Pathogenic.

Literature cited by the submitters: PubMed 24268659.